The following is an entry in ClinVar:

ClinVar aggregate classification (germline): Likely pathogenic (0 of 4 stars; one submission).

Conditions:
Obesity. Also called: Obesity disorder. Identifiers: Orphanet 71529, MedGen C0028754, MeSH D009765, MONDO:0011122, HP:0001513.

Allele frequency attached by ClinVar (database versions not stated): gnomAD exomes below 0.00001; TOPMed 0.00001.
gnomAD v4.1: 12 of 1,613,902 alleles (0.00074%); highest among the groups gnomAD compares: South Asian, 0.0022%; no homozygotes.

Submission:

Dash Lab, University Health Network
Classification: Likely pathogenic for Obesity. Last evaluated: 2018-12-01. Review status: no assertion criteria provided. Collection method: research. Allele origin: germline. Affected: yes.
Comment: Obesity with no other associated features

NM_001037954.4(DIXDC1):c.793C>T (p.Arg265Ter)

Gene: DIXDC1 (DIX domain containing 1; plus strand). Cytogenetic location: 11q23.1.
Variant type: single nucleotide variant.
Coding change: c.793C>T on transcript NM_001037954.4 (MANE Select); coding-DNA position 793, C replaced by T.
Protein change: p.Arg265Ter; replaces arginine 265 with a stop codon.
Molecular consequence: nonsense.
Genome position (GRCh38, 1-based): chr11:111,982,362, C>T. VCF-style: chr11-111982362-C-T. GRCh37 (hg19) VCF-style: chr11-111853087-C-T.
Other names: c.160C>T, p.Arg54Ter (NM_033425.5); short protein forms R265*, R54*.
Identifiers: ClinVar variation 631529 (VCV000631529.3), dbSNP rs1419374563, ClinGen allele CA382596936.